The following is an entry in ClinVar:

NM_001042545.2(LTBP4):c.3447C>T (p.Ser1149=)

Gene: LTBP4 (latent transforming growth factor beta binding protein 4; plus strand). Cytogenetic location: 19q13.2.
Variant type: single nucleotide variant.
Coding change: c.3447C>T on transcript NM_001042545.2 (MANE Select); coding-DNA position 3447, C replaced by T.
Protein change: p.Ser1149=; no amino-acid change (serine 1149 retained).
Molecular consequence: synonymous variant.
Genome position (GRCh38, 1-based): chr19:40,622,630, C>T. VCF-style: chr19-40622630-C-T. GRCh37 (hg19) VCF-style: chr19-41128535-C-T.
Other names: c.3648C>T, p.Ser1216= (NM_001042544.1); c.3537C>T, p.Ser1179= (NM_003573.2).
Identifiers: ClinVar variation 517974 (VCV000517974.34), dbSNP rs201788846, ClinGen allele CA9449003.

ClinVar aggregate classification (germline): Likely benign. Review status: criteria provided, multiple submitters, no conflicts (2 of 4 stars). 3 submissions from 3 submitters: Likely benign (3). Last evaluated 2026-08-01.

Allele frequency attached by ClinVar (database versions not stated): gnomAD exomes 0.00029 and 0.00058; ExAC 0.00066; ESP Exome Variant Server 0.00111; gnomAD 0.00117 and 0.00119; TOPMed 0.00146; 1000 Genomes Project 30x 0.00156; 1000 Genomes Project 0.00160.
gnomAD v4.1: 606 of 1,607,788 alleles (0.038%); highest among the groups gnomAD compares: African/African-American, 0.31%; 1 homozygote.

Submissions (3):

CeGaT Center for Human Genetics Tuebingen
Classification: Likely benign. Last evaluated: 2026-08-01. Review status: criteria provided, single submitter. Criteria: CeGaT Center For Human Genetics Tuebingen Variant Classification Criteria Version 2. Collection method: clinical testing. Allele origin: germline. Affected: yes. Observed: 2 variant alleles.
Comment: LTBP4: BP4, BP7

Labcorp Genetics (formerly Invitae), Labcorp
Classification: Likely benign. Last evaluated: 2026-01-30. Review status: criteria provided, single submitter. Criteria: Invitae Variant Classification Sherloc (09022015). Collection method: clinical testing. Allele origin: germline.

GeneDx
Classification: Likely benign. Last evaluated: 2021-02-24. Review status: criteria provided, single submitter. Criteria: GeneDx Variant Classification Process June 2021. Collection method: clinical testing. Allele origin: germline. Affected: yes.